The following is an entry in ClinVar:

NM_000101.4(CYBA):c.268C>G (p.Arg90Gly)

Gene: CYBA (cytochrome b-245 alpha chain; minus strand). Cytogenetic location: 16q24.2.
Variant type: single nucleotide variant.
Coding change: c.268C>G on transcript NM_000101.4 (MANE Select); coding-DNA position 268, C replaced by G.
Protein change: p.Arg90Gly; replaces arginine 90 with glycine.
Molecular consequence: missense variant.
Genome position (GRCh38, 1-based): chr16:88,646,774, G>C on the plus strand (C>G on the coding strand, the complement: CYBA is on the minus strand). VCF-style: chr16-88646774-G-C. GRCh37 (hg19) VCF-style: chr16-88713182-G-C.
Other names: c.268C>G (NM_000101.3); short protein forms R90G.
Identifiers: ClinVar variation 1522930 (VCV001522930.9), dbSNP rs179363892, ClinGen allele CA8228336.

ClinVar aggregate classification (germline): Likely pathogenic. Review status: criteria provided, multiple submitters, no conflicts (2 of 4 stars). 3 submissions from 3 submitters: Likely pathogenic (2). 1 of the submissions does not count toward it. Last evaluated 2024-04-18.

Conditions:
Chronic granulomatous disease. Identifiers: Orphanet 379, MedGen C0018203, MONDO:0018305.
CYBA-related disorder. Also called: CYBA-related condition.
Granulomatous disease, chronic, autosomal recessive, cytochrome b-negative. Also called: CGD DUE TO DEFICIENCY OF THE ALPHA SUBUNIT OF CYTOCHROME b; CGD, AUTOSOMAL RECESSIVE CYTOCHROME b-NEGATIVE; CYBA DEFICIENCY; GRANULOMATOUS DISEASE, CHRONIC, AUTOSOMAL RECESSIVE, 4; Chronic granulomatous disease, autosomal, due to deficiency of CYBA. Identifiers: Orphanet 379, MedGen C1856255, MONDO:0009308, OMIM 233690.

gnomAD v4.1: 5 of 1,613,868 alleles (0.00031%); highest among the groups gnomAD compares: South Asian, 0.0033%; no homozygotes.

Submissions (3):

Natera, Inc.
Classification: Likely pathogenic for Chronic granulomatous disease. Last evaluated: 2024-04-18. Review status: criteria provided, single submitter. Criteria: Natera Variant Classification Schema (03/2026). Collection method: clinical testing. Allele origin: germline.
Comment: The c.268C>G variant in CYBA is a missense variant predicted to cause substitution of arginine to glycine at amino acid 90. This variant is rare in the general population with a frequency below the threshold expected for the associated phenotype(s). This variant has been observed in one or more individuals affected with the associated recessive disease, as either homozygous or compound heterozygous with a second variant (PMID: 10910929, 21058909). A different variant at the same position has been determined to be Pathogenic or Likely Pathogenic. Computational prediction algorithms indicate this variant is likely to affect gene or protein function. Given the available evidence, this variant is classified as Likely Pathogenic.

Labcorp Genetics (formerly Invitae), Labcorp
Classification: Likely pathogenic for Granulomatous disease, chronic, autosomal recessive, cytochrome b-negative. Last evaluated: 2023-07-22. Review status: criteria provided, single submitter. Criteria: Invitae Variant Classification Sherloc (09022015). Collection method: clinical testing. Allele origin: germline.
Comment: In summary, the currently available evidence indicates that the variant is pathogenic, but additional data are needed to prove that conclusively. Therefore, this variant has been classified as Likely Pathogenic. This variant disrupts the p.Arg90 amino acid residue in CYBA. Other variant(s) that disrupt this residue have been determined to be pathogenic (PMID: 10910929, 20167518). This suggests that this residue is clinically significant, and that variants that disrupt this residue are likely to be disease-causing. This sequence change replaces arginine, which is basic and polar, with glycine, which is neutral and non-polar, at codon 90 of the CYBA protein (p.Arg90Gly). This variant is present in population databases (rs179363892, gnomAD 0.003%). This missense change has been observed in individuals with chronic granulomatous disease (PMID: 20167518, 26185101; Invitae). ClinVar contains an entry for this variant (Variation ID: 1522930). An algorithm developed to predict the effect of missense changes on protein structure and function (PolyPhen-2) suggests that this variant is likely to be disruptive.

PreventionGenetics, part of Exact Sciences
Classification: Pathogenic for CYBA-related condition. Last evaluated: 2024-01-11. Review status: no assertion criteria provided. Collection method: clinical testing. Allele origin: germline. Not counted in ClinVar's aggregate classification.
Comment: The CYBA c.268C>G variant is predicted to result in the amino acid substitution p.Arg90Gly. This variant has been reported reported in homozygous and compound heterozygous states in individuals with chronic granulomatous disease (Roos et al. 2010. PubMed ID: 20167518; de Oliveira-Junior et al. 2015. PubMed ID: 26185101). In addition, other variants impacting this same amino acid have been reported as causative for chronic granulomatous disease [c.268C>T (p.Arg90Trp), c.269G>A (p.Arg90Gln, and c.269G>C (p.Arg90Pro); Rae et al. 2000. PubMed ID: 10910929; Roos et al. 2010. PubMed ID: 20167518; Kulkarni et al. 2018. PubMed ID: 30470980]. This variant is reported in 0.0033% of alleles in individuals of South Asian descent in gnomAD. This variant is interpreted as pathogenic.

Literature cited by the submitters: PubMed 10910929 (cited by Natera, Inc. and Labcorp Genetics (formerly Invitae), Labcorp); PubMed 21058909 (cited by Natera, Inc.); PubMed 20167518 (cited by Labcorp Genetics (formerly Invitae), Labcorp); PubMed 26185101 (cited by Labcorp Genetics (formerly Invitae), Labcorp).